The following is an entry in ClinVar:

ClinVar aggregate classification (germline): Uncertain significance. Review status: criteria provided, multiple submitters, no conflicts (2 of 4 stars). 2 submissions from 2 submitters: Uncertain significance (2). Last evaluated 2022-10-27.

Conditions:
Hereditary cancer-predisposing syndrome. Also called: Neoplastic Syndromes, Hereditary; Tumor predisposition; Hereditary neoplastic syndrome; Hereditary Cancer Syndrome. Identifiers: Orphanet 140162, MedGen C0027672, MeSH D009386, MONDO:0015356.

Submissions (2):

Labcorp Genetics (formerly Invitae), Labcorp
Classification: Uncertain significance for Hereditary cancer-predisposing syndrome. Last evaluated: 2022-10-27. Review status: criteria provided, single submitter. Criteria: Invitae Variant Classification Sherloc (09022015). Collection method: clinical testing. Allele origin: germline.
Comment: In summary, the available evidence is currently insufficient to determine the role of this variant in disease. Therefore, it has been classified as a Variant of Uncertain Significance. Advanced modeling of protein sequence and biophysical properties (such as structural, functional, and spatial information, amino acid conservation, physicochemical variation, residue mobility, and thermodynamic stability) performed at Invitae indicates that this missense variant is expected to disrupt RAD50 protein function. ClinVar contains an entry for this variant (Variation ID: 826444). This variant has not been reported in the literature in individuals affected with RAD50-related conditions. This variant is not present in population databases (gnomAD no frequency). This sequence change replaces lysine, which is basic and polar, with glutamic acid, which is acidic and polar, at codon 217 of the RAD50 protein (p.Lys217Glu).

Ambry Genetics
Classification: Uncertain significance for Hereditary cancer-predisposing syndrome. Last evaluated: 2018-03-17. Review status: criteria provided, single submitter. Criteria: Ambry Variant Classification Scheme 2023. Collection method: clinical testing. Allele origin: germline.
Comment: The p.K217E variant (also known as c.649A>G), located in coding exon 5 of the RAD50 gene, results from an A to G substitution at nucleotide position 649. The lysine at codon 217 is replaced by glutamic acid, an amino acid with similar properties. This amino acid position is highly conserved in available vertebrate species. In addition, the in silico prediction for this alteration is inconclusive. Since supporting evidence is limited at this time, the clinical significance of this alteration remains unclear.

NM_005732.4(RAD50):c.649A>G (p.Lys217Glu)

Gene: RAD50 (RAD50 double strand break repair protein; plus strand). Cytogenetic location: 5q31.1.
Variant type: single nucleotide variant.
Coding change: c.649A>G on transcript NM_005732.4 (MANE Select); coding-DNA position 649, A replaced by G.
Protein change: p.Lys217Glu; replaces lysine 217 with glutamic acid.
Molecular consequence: missense variant.
Genome position (GRCh38, 1-based): chr5:132,579,959, A>G. VCF-style: chr5-132579959-A-G. GRCh37 (hg19) VCF-style: chr5-131915651-A-G.
Other names: short protein forms K217E.
Identifiers: ClinVar variation 826444 (VCV000826444.7), dbSNP rs1580987677, ClinGen allele CA360936154.